The following is an entry in ClinVar:

ClinVar aggregate classification (germline): Conflicting classifications of pathogenicity. Review status: criteria provided, conflicting classifications (1 of 4 stars). 3 submissions from 3 submitters: Likely pathogenic (1); Uncertain significance (2). Last evaluated 2024-03-20.

Conditions:
Marfan syndrome (MFS). Also called: Marfan syndrome, classic; FBN1-Related Marfan Syndrome; Marfan syndrome type 1; Marfan's syndrome; MARFAN SYNDROME, TYPE I. Identifiers: Orphanet 284963, Orphanet 558, MedGen C0024796, MONDO:0007947, OMIM 154700.
Familial thoracic aortic aneurysm and aortic dissection (TAAD). Also called: Thoracic aortic aneurysms and dissections. Identifiers: Orphanet 91387, MedGen C4707243, MONDO:0019625.

Submissions (3):

Labcorp Genetics (formerly Invitae), Labcorp
Classification: Uncertain significance for Marfan syndrome; Familial thoracic aortic aneurysm and aortic dissection. Last evaluated: 2024-03-20. Review status: criteria provided, single submitter. Criteria: Invitae Variant Classification Sherloc (09022015). Collection method: clinical testing. Allele origin: germline.
Comment: This sequence change replaces asparagine, which is neutral and polar, with lysine, which is basic and polar, at codon 1382 of the FBN1 protein (p.Asn1382Lys). This variant is not present in population databases (gnomAD no frequency). This variant has not been reported in the literature in individuals affected with FBN1-related conditions. ClinVar contains an entry for this variant (Variation ID: 200037). Advanced modeling of protein sequence and biophysical properties (such as structural, functional, and spatial information, amino acid conservation, physicochemical variation, residue mobility, and thermodynamic stability) performed at Invitae indicates that this missense variant is expected to disrupt FBN1 protein function with a positive predictive value of 95%. This variant disrupts the p.Asn1382 amino acid residue in FBN1. Other variant(s) that disrupt this residue have been observed in individuals with FBN1-related conditions (PMID: 7611299, 18087243), which suggests that this may be a clinically significant amino acid residue. In summary, the available evidence is currently insufficient to determine the role of this variant in disease. Therefore, it has been classified as a Variant of Uncertain Significance.

GeneDx
Classification: Likely pathogenic. Last evaluated: 2017-05-23. Review status: criteria provided, single submitter. Criteria: GeneDx Variant Classification (06012015). Collection method: clinical testing. Allele origin: germline. Affected: yes.
Comment: The N1382K likely pathogenic variant in the FBN1 gene has been reported in association in one of 262 unrelated individuals with Marfan syndrome or Marfan-like phenotype tested at a national health service laboratory; however, no detailed clinical information or segregation data were provided (Howarth et al., 2007). This variant is not observed in large population cohorts (Lek et al., 2016; 1000 Genomes Consortium et al., 2015; Exome Variant Server). The N1382K variant is a semi-conservative amino acid substitution, which may impact secondary protein structure as these residues differ in some properties. This substitution occurs at a calcium-binding residue that is conserved across species, within the calcium-binding EGF-like 23 domain. Furthermore, in silico analysis predicts this variant is probably damaging to the protein structure/function.

Women's Health and Genetics/Laboratory Corporation of America, LabCorp
Classification: Uncertain significance. Last evaluated: 2016-12-14. Review status: criteria provided, single submitter. Criteria: LabCorp Variant Classification Summary - May 2015. Collection method: clinical testing. Allele origin: germline.
Comment: Variant summary: The FBN1 c.4146T>A (p.Asn1382Lys) is located in calcium binding EGF-like domain 18 of the protein and 4/4 in silico tools predict a damaging outcome for this variant. This variant is absent in 121088 control chromosomes from ExAC. In literature, this variant is reported as a 'mutation' found in one patient with Marfan or Marfan-like syndrome (Howarth_2007). Mutations at the same residue, N1382I and N1382S have also been reported in association with MFS (PMIDs 7611299 and 18087243), suggesting that the codon is mutational hot-spot. In addition, mutations in nearby residues (C1374G, C1374S, C1374Y, C1380Y, K1381N, M1384L, Y1387C, C1389R, C1391F, etc.) have been reported in association with Marfan syndrome or other FBN1-related disorder (HGMD), further supporting the functional importance of this region of the protein. One clinical laboratory in ClinVar has classified this variant as pathogenic and reports the variant in TAAD panel. Taken together, this variant is currently classified as VUS-possibly pathogenic.

Literature cited by the submitters: PubMed 7611299 (cited by Labcorp Genetics (formerly Invitae), Labcorp); PubMed 18087243 (cited by Labcorp Genetics (formerly Invitae), Labcorp); PubMed 17627385 (cited by Women's Health and Genetics/Laboratory Corporation of America, LabCorp).

NM_000138.5(FBN1):c.4146T>A (p.Asn1382Lys)

Gene: FBN1 (fibrillin 1; minus strand). Cytogenetic location: 15q21.1.
Variant type: single nucleotide variant.
Coding change: c.4146T>A on transcript NM_000138.5 (MANE Select); coding-DNA position 4146, T replaced by A.
Protein change: p.Asn1382Lys; replaces asparagine 1382 with lysine.
Molecular consequence: missense variant.
Genome position (GRCh38, 1-based): chr15:48,474,319, A>T on the plus strand (T>A on the coding strand, the complement: FBN1 is on the minus strand). VCF-style: chr15-48474319-A-T. GRCh37 (hg19) VCF-style: chr15-48766516-A-T.
Other names: p.N1382K:AAT>AAA; short protein forms N1382K.
Identifiers: ClinVar variation 200037 (VCV000200037.5), dbSNP rs794728218, ClinGen allele CA014779.
Genomic context (GRCh38, chr15:48,474,319, plus strand): 5'-ACAAGTGAAGCCATCACCTGTGTATCCTTCCTTGCACAGACAGCGGTAAGATCCCATGGT[A>T]TTCTTGCAGTCTGCATGCTGGCTGCACATATGGGTTCCATTGGAACATTCGTCCAGATCT-3'
Protein context (NP_000129.3, residues 1372-1392): HMCSQHADCK[Asn1382Lys]TMGSYRCLCK